The following is an entry in ClinVar:

NM_001148.6(ANK2):c.8759A>G (p.Tyr2920Cys)

Gene: ANK2 (ankyrin 2; plus strand). Cytogenetic location: 4q26.
Variant type: single nucleotide variant.
Coding change: c.8759A>G on transcript NM_001148.6 (MANE Select); coding-DNA position 8759, A replaced by G.
Protein change: p.Tyr2920Cys; replaces tyrosine 2920 with cysteine.
Molecular consequence: missense variant. On other transcripts: intron variant (68).
Genome position (GRCh38, 1-based): chr4:113,357,377, A>G. VCF-style: chr4-113357377-A-G. GRCh37 (hg19) VCF-style: chr4-114278533-A-G.
Other names: c.8525A>G, p.Tyr2842Cys (NM_001386142.1); c.5159A>G, p.Tyr1720Cys (NM_001386166.1); c.8900A>G, p.Tyr2967Cys (NM_001386174.1); c.8876A>G, p.Tyr2959Cys (NM_001386175.1); c.4412-3446A>G (NM_001386186.2, NM_001386148.2); c.4214-3446A>G (NM_001354269.3); c.4292-3446A>G (NM_001386187.2); c.4253-3446A>G (NM_001386147.1); and 35 more; short protein forms Y2920C, Y1720C, Y2842C, Y2959C, Y2967C.
Identifiers: ClinVar variation 347337 (VCV000347337.17), dbSNP rs781185140, ClinGen allele CA3051828.

ClinVar aggregate classification (germline): Conflicting classifications of pathogenicity. Review status: criteria provided, conflicting classifications (1 of 4 stars). 4 submissions from 4 submitters: Uncertain significance (3); Likely benign (1). Last evaluated 2025-12-21.

Conditions:
Long QT syndrome (LQTS). Identifiers: MedGen C0023976, MeSH D008133, MONDO:0002442. Disease mechanism: loss of function. Inheritance: Various modes of inheritance.
Cardiac arrhythmia, ankyrin-B-related. Also called: ANKYRIN-B SYNDROME. Identifiers: Orphanet 101016, Orphanet 768, MedGen C1970119, MONDO:0010958, OMIM 600919.
Cardiovascular phenotype. Identifiers: MedGen CN230736.

Allele frequency attached by ClinVar (database versions not stated): gnomAD exomes below 0.00001 and 0.00001; ExAC 0.00001; gnomAD 0.00001; TOPMed 0.00001.
gnomAD v4.1: 8 of 1,613,972 alleles (0.0005%); highest among the groups gnomAD compares: East Asian, 0.0045%; no homozygotes.

Submissions (4):

Labcorp Genetics (formerly Invitae), Labcorp
Classification: Uncertain significance for Long QT syndrome. Last evaluated: 2025-12-21. Review status: criteria provided, single submitter. Criteria: Invitae Variant Classification Sherloc (09022015). Collection method: clinical testing. Allele origin: germline.
Comment: This sequence change replaces tyrosine, which is neutral and polar, with cysteine, which is neutral and slightly polar, at codon 2920 of the ANK2 protein (p.Tyr2920Cys). This variant is present in population databases (rs781185140, gnomAD 0.006%). This variant has not been reported in the literature in individuals affected with ANK2-related conditions. ClinVar contains an entry for this variant (Variation ID: 347337). An algorithm developed to predict the effect of missense changes on protein structure and function outputs the following: PolyPhen-2: "Benign". The cysteine amino acid residue is found in multiple mammalian species, which suggests that this missense change does not adversely affect protein function. In summary, the available evidence is currently insufficient to determine the role of this variant in disease. Therefore, it has been classified as a Variant of Uncertain Significance.

Women's Health and Genetics/Laboratory Corporation of America, LabCorp
Classification: Uncertain significance. Last evaluated: 2025-05-30. Review status: criteria provided, single submitter. Criteria: LabCorp Variant Classification Summary - May 2015. Collection method: clinical testing. Allele origin: germline.

Ambry Genetics
Classification: Likely benign for Cardiovascular phenotype. Last evaluated: 2025-03-17. Review status: criteria provided, single submitter. Criteria: Ambry Variant Classification Scheme 2023. Collection method: clinical testing. Allele origin: germline.

Illumina Laboratory Services, Illumina
Classification: Uncertain significance for Cardiac arrhythmia, ankyrin-B-related. Last evaluated: 2018-01-13. Review status: criteria provided, single submitter. Criteria: ICSL Variant Classification Criteria 13 December 2019. Collection method: clinical testing. Allele origin: germline.